The following is an entry in ClinVar:

ClinVar aggregate classification (germline): Uncertain significance (1 of 4 stars; one submission).

Submission:

Women's Health and Genetics/Laboratory Corporation of America, LabCorp
Classification: Uncertain significance. Last evaluated: 2023-04-04. Review status: criteria provided, single submitter. Criteria: LabCorp Variant Classification Summary - May 2015. Collection method: clinical testing. Allele origin: germline.
Comment: Variant summary: ABCG8 c.1412-9_1412-8delinsTT alters a non-conserved nucleotide located close to a canonical splice site and therefore could affect mRNA splicing, leading to a significantly altered protein sequence. 4/4 computational tools predict no significant impact on normal splicing. However, these predictions have yet to be confirmed by functional studies. The variant was absent in 282638 control chromosomes (gnomAD). The available data on variant occurrences in the general population are insufficient to allow any conclusion about variant significance. To our knowledge, no occurrence of c.1412-9_1412-8delinsTT in individuals affected with Early Onset Coronary Artery Disease and no experimental evidence demonstrating its impact on protein function have been reported. No submitters have provided clinical-significance assessments for this variant to ClinVar after 2014. Based on the evidence outlined above, the variant was classified as uncertain significance.

NM_022437.3(ABCG8):c.1412-9_1412-8delinsTT

Gene: ABCG8 (ATP binding cassette subfamily G member 8; plus strand). Cytogenetic location: 2p21.
Variant type: Indel.
Coding change: c.1412-9_1412-8delinsTT on transcript NM_022437.3 (MANE Select); 9 bases into the intron before coding-DNA position 1412 through 8 bases into the intron before coding-DNA position 1412, AC replaced by TT.
Molecular consequence: intron variant.
Genome position (GRCh38, 1-based): chr2:43,874,398-43,874,399, AC replaced by TT. VCF-style: chr2-43874398-AC-TT. GRCh37 (hg19) VCF-style: chr2-44101537-AC-TT.
Other names: c.1409-9_1409-8delinsTT (NM_001357321.2); c.1412-9_1412-8delinsTT (NM_022437.2).
Identifiers: ClinVar variation 2503824 (VCV002503824.1), dbSNP rs2466279764, ClinGen allele CA2580611272.